The following is an entry in ClinVar:

NM_138694.4(PKHD1):c.3079del (p.Ser1027fs)

Gene: PKHD1 (PKHD1 ciliary IPT domain containing fibrocystin/polyductin; minus strand). Cytogenetic location: 6p12.2.
Variant type: Deletion.
Coding change: c.3079del on transcript NM_138694.4 (MANE Select); coding-DNA position 3079, one base deleted (T; older notation c.3079delT).
Protein change: p.Ser1027fs; shifts the reading frame from serine 1027.
Molecular consequence: frameshift variant.
Genome position (GRCh38, 1-based): chr6:52,042,877, A deleted on the plus strand (T on the coding strand, the reverse complement: PKHD1 is on the minus strand); the first of 2 consecutive A bases (chr6:52,042,877-52,042,878); deleting either gives the same sequence. VCF-style (leftmost placement, unchanged base first): chr6-52042876-GA-G. GRCh37 (hg19) VCF-style: chr6-51907674-GA-G.
Other names: c.3079del, p.Ser1027fs (NM_170724.3); short protein forms S1027fs.
Identifiers: ClinVar variation 1724535 (VCV001724535.2), dbSNP rs2533041666, ClinGen allele CA2580075458.
Genomic context (GRCh38, chr6:52,042,876, plus strand): 5'-GCTTCAGAGGGTCAGACATACTGTGAGACCCTCCCCAGATTACCAATATCCGCAGCTCTG[GA>G]AGGCTCCACCATATCCAGTCTAGGTTTCACATTTAGGAAGAGGTCTTCTCCAGTGGCACT-3'

ClinVar aggregate classification (germline): Likely pathogenic (1 of 4 stars; one submission).

Conditions:
Polycystic kidney disease 4 (PKD4). Also called: POLYCYSTIC KIDNEY AND HEPATIC DISEASE 1; POLYCYSTIC KIDNEY DISEASE, INFANTILE, TYPE I; POLYCYSTIC KIDNEY DISEASE 4 WITH OR WITHOUT POLYCYSTIC LIVER DISEASE; PKD3; Autosomal Recessive Polycystic Kidney Disease – PKHD1. Identifiers: MedGen C4540575, MONDO:0033004, OMIM 263200.

Submission:

Myriad Genetics, Inc.
Classification: Likely pathogenic for Polycystic kidney disease 4. Last evaluated: 2022-02-19. Review status: criteria provided, single submitter. Criteria: Myriad Women's Health Autosomal Recessive and X-Linked Classification Criteria (2021). Collection method: clinical testing. Allele origin: unknown.
Comment: NM_138694.3(PKHD1):c.3079delT(S1027Pfs*23) is expected to be pathogenic in the context of autosomal recessive polycystic kidney disease, PKHD1-related. This variant is predicted to lead to an abnormal or absent protein product due to the creation of a premature termination codon in PKHD1, a gene where loss-of-function variants are known to be pathogenic. Please note: this variant was assessed in the context of healthy population screening.